The following is an entry in ClinVar:

NM_000330.4(RS1):c.599_607dup (p.Ile202_Pro203insArgLeuIle)

Genes: CDKL5 (cyclin dependent kinase like 5; plus strand), RS1 (retinoschisin 1; minus strand). Cytogenetic location: Xp22.13.
Variant type: Duplication.
Coding change: c.599_607dup on transcript NM_000330.4 (MANE Select); coding-DNA positions 599 to 607, 9 bases duplicated (GCCTCATCC; older notation c.599_607dupGCCTCATCC).
Protein change: p.Ile202_Pro203insArgLeuIle.
Molecular consequence: inframe insertion. On other transcripts: inframe indel (1), intron variant (2).
Genome position (GRCh38, 1-based): chrX:18,642,072-18,642,080, GGATGAGGC duplicated on the plus strand (GCCTCATCC on the coding strand, the reverse complement: RS1 is on the minus strand); duplicating any 9 consecutive bases within chrX:18,642,072-18,642,086 gives the same sequence; the c. name uses the placement nearest the transcript's 3' end. VCF-style (leftmost placement, unchanged base first): chrX-18642071-G-GGGATGAGGC. GRCh37 (hg19) VCF-style: chrX-18660191-G-GGGATGAGGC.
Other names: c.599_607dup9 (NM_000330.3); c.2714-3929_2714-3921dup (NM_003159.3, NM_001037343.2).
Identifiers: ClinVar variation 4999015 (VCV004999015.1).

ClinVar aggregate classification (germline): Likely pathogenic (1 of 4 stars; one submission).

Conditions:
RS1-related disorder. Also called: RS1-related condition.

Submission:

PreventionGenetics, part of Exact Sciences
Classification: Likely pathogenic for RS1-related condition. Last evaluated: 2025-07-10. Review status: criteria provided, single submitter. Criteria: ACMG Guidelines, 2015. Collection method: clinical testing. Allele origin: germline.
Comment: The RS1 c.599_607dup9 variant is predicted to result in an in-frame duplication (p.Arg200_Ile202dup). To our knowledge, this variant has not been reported in the literature or in a large population database (gnomAD), indicating this variant is rare. This variant impacts a region of RS1 that is considered a mutational hotspot, in which multiple pathogenic missense and in-frame indels have been reported (see Table S4, Bender. 2022. PubMed ID: 35456481). This variant is interpreted as likely pathogenic.